The following is an entry in ClinVar:

NM_018238.4(AGK):c.969C>T (p.Asp323=)

Gene: AGK (acylglycerol kinase; plus strand). Cytogenetic location: 7q34.
Variant type: single nucleotide variant.
Coding change: c.969C>T on transcript NM_018238.4 (MANE Select); coding-DNA position 969, C replaced by T.
Protein change: p.Asp323=; no amino-acid change (aspartic acid 323 retained).
Molecular consequence: synonymous variant.
Genome position (GRCh38, 1-based): chr7:141,641,902, C>T. VCF-style: chr7-141641902-C-T. GRCh37 (hg19) VCF-style: chr7-141341702-C-T.
Other names: c.969C>T, p.Asp323= (NM_001364948.3).
Identifiers: ClinVar variation 3060197 (VCV003060197.2), dbSNP rs775777094, ClinGen allele CA4517628.

ClinVar aggregate classification (germline): Likely benign (0 of 4 stars; one submission).

Conditions:
AGK-related disorder. Also called: AGK-related condition; AGK-related disorders. Identifiers: MedGen CN239194.

Allele frequency attached by ClinVar (database versions not stated): gnomAD exomes 0.00001.
gnomAD v4.1: 10 of 1,575,424 alleles (0.00063%); highest among the groups gnomAD compares: Non-Finnish European, 0.00086%; no homozygotes.

Submission:

PreventionGenetics, part of Exact Sciences
Classification: Likely benign for AGK-related condition. Last evaluated: 2021-10-01. Review status: no assertion criteria provided. Collection method: clinical testing. Allele origin: germline.
Comment: This variant is classified as likely benign based on ACMG/AMP sequence variant interpretation guidelines (Richards et al. 2015 PMID: 25741868, with internal and published modifications).